The following is an entry in ClinVar:

ClinVar aggregate classification (germline): Pathogenic. Review status: criteria provided, multiple submitters, no conflicts (2 of 4 stars). 2 submissions from 2 submitters: Pathogenic (2). Last evaluated 2023-09-03.

Conditions:
Neuronal ceroid lipofuscinosis 2. Also called: TPP1-Related Neuronal Ceroid-Lipofuscinosis; JANSKY-BIELSCHOWSKY DISEASE NEURONAL CEROID LIPOFUSCINOSIS, LATE INFANTILE. Identifiers: Orphanet 168491, Orphanet 228349, Orphanet 79264, MedGen C1876161, MONDO:0008769, OMIM 204500.

Submissions (2):

Labcorp Genetics (formerly Invitae), Labcorp
Classification: Pathogenic. Last evaluated: 2023-09-03. Review status: criteria provided, single submitter. Criteria: Invitae Variant Classification Sherloc (09022015). Collection method: clinical testing. Allele origin: germline.
Comment: This premature translational stop signal has been observed in individual(s) with Batten disease (PMID: 31283065; Invitae). In at least one individual the data is consistent with being in trans (on the opposite chromosome) from a pathogenic variant. ClinVar contains an entry for this variant (Variation ID: 1073897). Experimental studies and prediction algorithms are not available or were not evaluated, and the functional significance of this variant is currently unknown. For these reasons, this variant has been classified as Pathogenic. This sequence change creates a premature translational stop signal (p.Trp542*) in the TPP1 gene. While this is not anticipated to result in nonsense mediated decay, it is expected to disrupt the last 22 amino acid(s) of the TPP1 protein. This variant is not present in population databases (gnomAD no frequency).

Foundation for Research in Genetics and Endocrinology, FRIGE's Institute of Human Genetics
Classification: Pathogenic for Neuronal ceroid lipofuscinosis 2. Last evaluated: 2023-01-16. Review status: criteria provided, single submitter. Criteria: ACMG Guidelines, 2015. Collection method: clinical testing. Allele origin: germline. Inheritance: Autosomal recessive inheritance. Affected: yes. Observed: 1 homozygote.
Comment: A Homozygous missense variation in exon 13 of the TPP1 gene that results in the termination of amino acid chain at codon 542 was detected. The observed variant c.1626G>A (p.Trp542Ter) has not been reported in the 1000 genomes and gnomAD databases. The in silico prediction of the variant are possibly damaging by CADD, LRT and MutationTaster2. In summary, the variant meets our criteria to be classified as pathogenic.

Literature cited by the submitters: PubMed 31283065 (cited by Labcorp Genetics (formerly Invitae), Labcorp).

NM_000391.4(TPP1):c.1626G>A (p.Trp542Ter)

Gene: TPP1 (tripeptidyl peptidase 1; minus strand). Cytogenetic location: 11p15.4.
Variant type: single nucleotide variant.
Coding change: c.1626G>A on transcript NM_000391.4 (MANE Select); coding-DNA position 1626, G replaced by A.
Protein change: p.Trp542Ter; replaces tryptophan 542 with a stop codon.
Molecular consequence: nonsense.
Genome position (GRCh38, 1-based): chr11:6,614,612, C>T on the plus strand (G>A on the coding strand, the complement: TPP1 is on the minus strand). VCF-style: chr11-6614612-C-T. GRCh37 (hg19) VCF-style: chr11-6635843-C-T.
Other names: p.Trp542Ter; short protein forms W542*.
Identifiers: ClinVar variation 1073897 (VCV001073897.11), dbSNP rs2134590423, ClinGen allele CA379472067.